The following is an entry in ClinVar:

NM_000492.4(CFTR):c.743+52dup

Gene: CFTR (CF transmembrane conductance regulator; plus strand). Cytogenetic location: 7q31.2.
Variant type: Duplication.
Coding change: c.743+52dup on transcript NM_000492.4 (MANE Select); 52 bases into the intron after coding-DNA position 743, one base duplicated (A; older notation c.743+52dupA).
Molecular consequence: intron variant.
Genome position (GRCh38, 1-based): chr7:117,535,463, A duplicated; the last of 5 consecutive A bases (chr7:117,535,459-117,535,463); duplicating any one gives the same sequence. VCF-style (leftmost placement, unchanged base first): chr7-117535458-C-CA. GRCh37 (hg19) VCF-style: chr7-117175512-C-CA.
Other names: c.743+52dupA (NM_000492.4).
Identifiers: ClinVar variation 3629921 (VCV003629921.1).

ClinVar aggregate classification (germline): Likely benign (1 of 4 stars; one submission).

Submission:

Women's Health and Genetics/Laboratory Corporation of America, LabCorp
Classification: Likely benign. Last evaluated: 2024-11-22. Review status: criteria provided, single submitter. Criteria: LabCorp Variant Classification Summary - May 2015. Collection method: clinical testing. Allele origin: germline.
Comment: Variant summary: CFTR c.743+52dupA is located at a position not widely known to affect splicing. Several computational tools predict a significant impact on normal splicing: Four predict the variant no significant impact on splicing. However, these predictions have yet to be confirmed by functional studies. The variant allele was found at a frequency of 2.5e-05 in 1548814 control chromosomes in the gnomAD database (v4.1 dataset). This frequency is not higher than the estimated maximum for a pathogenic variant in CFTR causing Chronic Pancreatitis Risk (0.0063), allowing no conclusion about variant significance. To our knowledge, no occurrence of c.743+52dupA in individuals affected with Chronic Pancreatitis Risk and no experimental evidence demonstrating its impact on protein function have been reported. No submitters have cited clinical-significance assessments for this variant to ClinVar. Based on the evidence outlined above, the variant was classified as likely benign.